The following is an entry in ClinVar:

NM_013275.6(ANKRD11):c.6919C>A (p.Pro2307Thr)

Gene: ANKRD11 (ankyrin repeat domain 11; minus strand). Cytogenetic location: 16q24.3.
Variant type: single nucleotide variant.
Coding change: c.6919C>A on transcript NM_013275.6 (MANE Select); coding-DNA position 6919, C replaced by A.
Protein change: p.Pro2307Thr; replaces proline 2307 with threonine.
Molecular consequence: missense variant.
Genome position (GRCh38, 1-based): chr16:89,279,623, G>T on the plus strand (C>A on the coding strand, the complement: ANKRD11 is on the minus strand). VCF-style: chr16-89279623-G-T. GRCh37 (hg19) VCF-style: chr16-89346031-G-T.
Other names: c.6919C>A, p.Pro2307Thr (NM_001256182.2, NM_001256183.2); short protein forms P2307T.
Identifiers: ClinVar variation 2177597 (VCV002177597.4), dbSNP rs575642464, ClinGen allele CA397149712.

ClinVar aggregate classification (germline): Uncertain significance (1 of 4 stars; one submission).

Conditions:
KBG syndrome (KBGS). Also called: ANKRD11-Related KBG Syndrome. Identifiers: Orphanet 2332, MedGen C0220687, MONDO:0007846, OMIM 148050.

Submission:

Labcorp Genetics (formerly Invitae), Labcorp
Classification: Uncertain significance for KBG syndrome. Last evaluated: 2022-05-27. Review status: criteria provided, single submitter. Criteria: Invitae Variant Classification Sherloc (09022015). Collection method: clinical testing. Allele origin: germline.
Comment: In summary, the available evidence is currently insufficient to determine the role of this variant in disease. Therefore, it has been classified as a Variant of Uncertain Significance. Advanced modeling of protein sequence and biophysical properties (such as structural, functional, and spatial information, amino acid conservation, physicochemical variation, residue mobility, and thermodynamic stability) performed at Invitae indicates that this missense variant is not expected to disrupt ANKRD11 protein function. This variant has not been reported in the literature in individuals affected with ANKRD11-related conditions. This variant is present in population databases (no rsID available, gnomAD 0.02%). This sequence change replaces proline, which is neutral and non-polar, with threonine, which is neutral and polar, at codon 2307 of the ANKRD11 protein (p.Pro2307Thr).